The following is an entry in ClinVar:

ClinVar aggregate classification (germline): Pathogenic (1 of 4 stars; one submission).

Conditions:
Severe combined immunodeficiency, autosomal recessive, T cell-negative, B cell-negative, NK cell-positive. Also called: Severe combined immunodeficiency due to complete RAG1/2 deficiency; SCID, T CELL-NEGATIVE, B CELL-NEGATIVE, NK CELL-POSITIVE; SCID, AR, T-cell negative, B-cell negative, NK cell-positive. Identifiers: Orphanet 331206, MedGen C1832322, MONDO:0011086, OMIM 601457.

Submission:

Center for Human Genetics and Genomic Medicine, Uniklinik Rwth Aachen
Classification: Pathogenic for Severe combined immunodeficiency, autosomal recessive, T cell-negative, B cell-negative, NK cell-positive. Last evaluated: 2026-03-24. Review status: criteria provided, single submitter. Criteria: ACMG Guidelines, 2015. Collection method: clinical testing. Allele origin: germline. Affected: yes. Observed: 1 variant allele.
Comment: PVS1,PM2_Supporting,PM3,PP4: The variant has not yet been reported in the literature or in the ClinVar database. In the general population (gnomAD v4.1.0), it has been detected only twice so far (0.00012%, PM2_supporting). As a frameshift variant with a premature stop codon within the functional RAG1 core region, a clear loss of function is expected (PVS1). In the RAG1 gene, truncating variants (frameshift/nonsense) are an established pathogenic mechanism in autosomal‑recessive RAG1‑associated immunodeficiency. The variant is in trans with a (likely) pathogenic variant (NM_000448.3:c.2210G>A; p.(Arg737His), PM3). The patient’s phenotype is highly specific for a RAG1‑associated disorder (PP4).

NM_000448.3(RAG1):c.1908_1926dup (p.Val643fs)

Gene: RAG1 (recombination activating 1; plus strand). Cytogenetic location: 11p12.
Variant type: Duplication.
Coding change: c.1908_1926dup on transcript NM_000448.3 (MANE Select); coding-DNA positions 1908 to 1926, 19 bases duplicated (CAGCTCTCAGAATGTGAAA).
Protein change: p.Val643fs; shifts the reading frame from valine 643.
Molecular consequence: frameshift variant.
Genome position (GRCh38, 1-based): chr11:36,575,212-36,575,230, CAGCTCTCAGAATGTGAAA duplicated; duplicating any 19 consecutive bases within chr11:36,575,211-36,575,230 gives the same sequence; the c. name uses the placement nearest the transcript's 3' end. VCF-style (leftmost placement, unchanged base first): chr11-36575210-C-CACAGCTCTCAGAATGTGAA. GRCh37 (hg19) VCF-style: chr11-36596760-C-CACAGCTCTCAGAATGTGAA.
Other names: c.1908_1926dup, p.Val643fs (NM_001377277.1, NM_001377278.1, NM_001377279.1 and 3 more transcripts); short protein forms V643fs.
Identifiers: ClinVar variation 4819696 (VCV004819696.1).